The following is an entry in ClinVar:

ClinVar aggregate classification (germline): Uncertain significance (1 of 4 stars; one submission).

Allele frequency attached by ClinVar (database versions not stated): gnomAD exomes below 0.00001.
gnomAD v4.1: 1 of 1,612,958 alleles (0.000062%); highest among the groups gnomAD compares: Non-Finnish European, 0.000085%; no homozygotes.

Submission:

Ambry Genetics
Classification: Uncertain significance. Last evaluated: 2022-08-07. Review status: criteria provided, single submitter. Criteria: Ambry Variant Classification Scheme 2023. Collection method: clinical testing. Allele origin: germline.
Comment: The p.G449V variant (also known as c.1346G>T), located in coding exon 9 of the POLQ gene, results from a G to T substitution at nucleotide position 1346. The glycine at codon 449 is replaced by valine, an amino acid with dissimilar properties. This amino acid position is conserved. In addition, this alteration is predicted to be deleterious by in silico analysis. Since supporting evidence is limited at this time, the clinical significance of this alteration remains unclear.

NM_199420.4(POLQ):c.1346G>T (p.Gly449Val)

Gene: POLQ (DNA polymerase theta; minus strand). Cytogenetic location: 3q13.33.
Variant type: single nucleotide variant.
Coding change: c.1346G>T on transcript NM_199420.4 (MANE Select); coding-DNA position 1346, G replaced by T.
Protein change: p.Gly449Val; replaces glycine 449 with valine.
Molecular consequence: missense variant.
Genome position (GRCh38, 1-based): chr3:121,519,993, C>A on the plus strand (G>T on the coding strand, the complement: POLQ is on the minus strand). VCF-style: chr3-121519993-C-A. GRCh37 (hg19) VCF-style: chr3-121238840-C-A.
Other names: short protein forms G449V.
Identifiers: ClinVar variation 1770481 (VCV001770481.2), dbSNP rs2546810163, ClinGen allele CA354119552.
Genomic context (GRCh38, chr3:121,519,993, plus strand): 5'-AGAGGTCGACCACCAAAAATAGGGGTTCGAATAATCACACGACGTGCAGGTAAATTCACC[C>A]CAGAAGAAAGAGTAGAAGTTGCCGCCAAGACCCGAATGAGACCTTGACGAAAGGCTCCTT-3'
Protein context (NP_955452.3, residues 439-459): VLAATSTLSS[Gly449Val]VNLPARRVII